The following is an entry in ClinVar:

ClinVar aggregate classification (germline): Pathogenic (1 of 4 stars; one submission).

Conditions:
Hereditary cancer-predisposing syndrome. Also called: Neoplastic Syndromes, Hereditary; Tumor predisposition; Hereditary Cancer Syndrome; Hereditary neoplastic syndrome. Identifiers: Orphanet 140162, MedGen C0027672, MeSH D009386, MONDO:0015356.

Submission:

Ambry Genetics
Classification: Pathogenic for Hereditary cancer-predisposing syndrome. Last evaluated: 2025-11-12. Review status: criteria provided, single submitter. Criteria: Ambry Variant Classification Scheme 2023. Collection method: clinical testing. Allele origin: germline.
Comment: The c.785delT pathogenic mutation, located in coding exon 6 of the ATM gene, results from a deletion of one nucleotide at nucleotide position 785, causing a translational frameshift with a predicted alternate stop codon (p.L262Cfs*14). This variant is considered to be rare based on population cohorts in the Genome Aggregation Database (gnomAD). This alteration is expected to result in loss of function by premature protein truncation or nonsense-mediated mRNA decay. As such, this alteration is interpreted as a disease-causing mutation.

NM_000051.4(ATM):c.785del (p.Leu262fs)

Gene: ATM (ATM serine/threonine kinase; plus strand). Cytogenetic location: 11q22.3.
Variant type: Deletion.
Coding change: c.785del on transcript NM_000051.4 (MANE Select); coding-DNA position 785, one base deleted (T; older notation c.785delT).
Protein change: p.Leu262fs; shifts the reading frame from leucine 262.
Molecular consequence: frameshift variant.
Genome position (GRCh38, 1-based): chr11:108,244,910, T deleted; the last of 3 consecutive T bases (chr11:108,244,908-108,244,910); deleting any one gives the same sequence. VCF-style (leftmost placement, unchanged base first): chr11-108244907-CT-C. GRCh37 (hg19) VCF-style: chr11-108115634-CT-C.
Other names: c.785del, p.Leu262fs (NM_001351834.2); short protein forms L262fs.
Identifiers: ClinVar variation 4617869 (VCV004617869.1).